The following is an entry in ClinVar:

ClinVar aggregate classification (germline): Uncertain significance. Review status: criteria provided, multiple submitters, no conflicts (2 of 4 stars). 2 submissions from 2 submitters: Uncertain significance (2). Last evaluated 2026-01-26.

Conditions:
Inborn genetic diseases. Identifiers: MedGen C0950123, MeSH D030342.

Allele frequency attached by ClinVar (database versions not stated): gnomAD 0.00001; ExAC 0.00002; gnomAD exomes 0.00002; TOPMed 0.00002; ESP Exome Variant Server 0.00008.
gnomAD v4.1: 27 of 1,613,536 alleles (0.0017%); highest among the groups gnomAD compares: Non-Finnish European, 0.0022%; no homozygotes.

Submissions (2):

Labcorp Genetics (formerly Invitae), Labcorp
Classification: Uncertain significance. Last evaluated: 2026-01-26. Review status: criteria provided, single submitter. Criteria: Invitae Variant Classification Sherloc (09022015). Collection method: clinical testing. Allele origin: germline.
Comment: This sequence change replaces tyrosine, which is neutral and polar, with histidine, which is basic and polar, at codon 2751 of the VCAN protein (p.Tyr2751His). This variant is present in population databases (rs146109462, gnomAD 0.005%). This variant has not been reported in the literature in individuals affected with VCAN-related conditions. ClinVar contains an entry for this variant (Variation ID: 2076916). An algorithm developed to predict the effect of missense changes on protein structure and function (PolyPhen-2) suggests that this variant is likely to be disruptive. In summary, the available evidence is currently insufficient to determine the role of this variant in disease. Therefore, it has been classified as a Variant of Uncertain Significance.

Ambry Genetics
Classification: Uncertain significance for Inborn genetic diseases. Last evaluated: 2024-02-05. Review status: criteria provided, single submitter. Criteria: Ambry Variant Classification Scheme 2023. Collection method: clinical testing. Allele origin: germline.

NM_004385.5(VCAN):c.8251T>C (p.Tyr2751His)

Genes: VCAN (versican; plus strand), VCAN-AS1 (VCAN antisense RNA 1; minus strand). Cytogenetic location: 5q14.3.
Variant type: single nucleotide variant.
Coding change: c.8251T>C on transcript NM_004385.5 (MANE Select); coding-DNA position 8251, T replaced by C.
Protein change: p.Tyr2751His; replaces tyrosine 2751 with histidine.
Molecular consequence: missense variant. On other transcripts: intron variant (2).
Genome position (GRCh38, 1-based): chr5:83,541,254, T>C. VCF-style: chr5-83541254-T-C. GRCh37 (hg19) VCF-style: chr5-82837073-T-C.
Other names: c.8251T>C (NM_004385.4); c.5290T>C, p.Tyr1764His (NM_001164097.2); c.4004-4283T>C (NM_001164098.2); c.1043-4283T>C (NM_001126336.3); short protein forms Y2751H, Y1764H.
Identifiers: ClinVar variation 2076916 (VCV002076916.5), dbSNP rs146109462, ClinGen allele CA3333775.